The following is an entry in ClinVar:

ClinVar aggregate classification (germline): Likely benign (0 of 4 stars; one submission).

Conditions:
BDNF-related disorder. Also called: BDNF-related condition.

Allele frequency attached by ClinVar (database versions not stated): 1000 Genomes Project 0.00060; ESP Exome Variant Server 0.00068; 1000 Genomes Project 30x 0.00062.
gnomAD v4.1: 110 of 1,361,810 alleles (0.0081%); highest among the groups gnomAD compares: African/African-American, 0.15%; no homozygotes.

Submission:

PreventionGenetics, part of Exact Sciences
Classification: Likely benign for BDNF-related condition. Last evaluated: 2022-03-15. Review status: no assertion criteria provided. Collection method: clinical testing. Allele origin: germline.
Comment: This variant is classified as likely benign based on ACMG/AMP sequence variant interpretation guidelines (Richards et al. 2015 PMID: 25741868, with internal and published modifications).

NM_001143809.2(BDNF):c.39G>C (p.Lys13Asn)

Gene: BDNF (brain derived neurotrophic factor; minus strand). Cytogenetic location: 11p14.1.
Variant type: single nucleotide variant.
Coding change: c.39G>C on transcript NM_001143809.2; coding-DNA position 39, G replaced by C.
Protein change: p.Lys13Asn; replaces lysine 13 with asparagine.
Molecular consequence: missense variant. On other transcripts: intron variant (6), 5 prime UTR variant (3).
Genome position (GRCh38, 1-based): chr11:27,700,998, C>G on the plus strand (G>C on the coding strand, the complement: BDNF is on the minus strand). VCF-style: chr11-27700998-C-G. GRCh37 (hg19) VCF-style: chr11-27722545-C-G.
Other names: c.-22+18513G>C (NM_001143807.2); c.-22+299G>C (NM_170733.4); c.-39G>C (NM_001143808.2); c.-86G>C (NM_001143810.2); c.-449G>C (NM_001143811.2); c.3+20414G>C (NM_170731.5); c.-22+19646G>C (NM_001143805.1); c.-22+19431G>C (NM_001143806.1); and 1 more; short protein forms K13N.
Identifiers: ClinVar variation 3050817 (VCV003050817.2), dbSNP rs370909786, ClinGen allele CA5929263.
Genomic context (GRCh38, chr11:27,700,998, plus strand): 5'-AGAGGGCGTGCGTTTCCCGGGCCACAGACACACCTTCCCGCACCTTCCTGCACTACGGAG[C>G]TTGCGAACGCGAGCACACAATGAAATCGCACAGAGCATGGGGGCTATTGGTTTACTCTGC-3'